The following is an entry in ClinVar:

NM_001283.5(AP1S1):c.357G>C (p.Met119Ile)

Gene: AP1S1 (adaptor related protein complex 1 subunit sigma 1; plus strand). Cytogenetic location: 7q22.1.
Variant type: single nucleotide variant.
Coding change: c.357G>C on transcript NM_001283.5 (MANE Select); coding-DNA position 357, G replaced by C.
Protein change: p.Met119Ile; replaces methionine 119 with isoleucine.
Molecular consequence: missense variant.
Genome position (GRCh38, 1-based): chr7:101,159,124, G>C. VCF-style: chr7-101159124-G-C. GRCh37 (hg19) VCF-style: chr7-100802405-G-C.
Other names: short protein forms M119I.
Identifiers: ClinVar variation 1984395 (VCV001984395.1), dbSNP rs571529719, ClinGen allele CA4405987.

ClinVar aggregate classification (germline): Uncertain significance (1 of 4 stars; one submission).

Submission:

Labcorp Genetics (formerly Invitae), Labcorp
Classification: Uncertain significance. Last evaluated: 2022-05-05. Review status: criteria provided, single submitter. Criteria: Invitae Variant Classification Sherloc (09022015). Collection method: clinical testing. Allele origin: germline.
Comment: This sequence change replaces methionine, which is neutral and non-polar, with isoleucine, which is neutral and non-polar, at codon 119 of the AP1S1 protein (p.Met119Ile). This variant is present in population databases (rs571529719, gnomAD 0.0009%). This variant has not been reported in the literature in individuals affected with AP1S1-related conditions. Algorithms developed to predict the effect of missense changes on protein structure and function (SIFT, PolyPhen-2, Align-GVGD) all suggest that this variant is likely to be tolerated. In summary, the available evidence is currently insufficient to determine the role of this variant in disease. Therefore, it has been classified as a Variant of Uncertain Significance.